The following is an entry in ClinVar:

ClinVar aggregate classification (germline): Uncertain significance (1 of 4 stars; one submission).

Allele frequency attached by ClinVar (database versions not stated): gnomAD exomes below 0.00001.
gnomAD v4.1: 3 of 1,613,692 alleles (0.00019%); highest among the groups gnomAD compares: Non-Finnish European, 0.00025%; no homozygotes.

Submission:

Labcorp Genetics (formerly Invitae), Labcorp
Classification: Uncertain significance. Last evaluated: 2022-03-27. Review status: criteria provided, single submitter. Criteria: Invitae Variant Classification Sherloc (09022015). Collection method: clinical testing. Allele origin: germline.
Comment: This sequence change replaces threonine, which is neutral and polar, with alanine, which is neutral and non-polar, at codon 1383 of the PCLO protein (p.Thr1383Ala). This variant is not present in population databases (gnomAD no frequency). This variant has not been reported in the literature in individuals affected with PCLO-related conditions. Algorithms developed to predict the effect of missense changes on protein structure and function are either unavailable or do not agree on the potential impact of this missense change (SIFT: "Tolerated"; PolyPhen-2: "Not Available"; Align-GVGD: "Class C0"). In summary, the available evidence is currently insufficient to determine the role of this variant in disease. Therefore, it has been classified as a Variant of Uncertain Significance.

NM_033026.6(PCLO):c.4147A>G (p.Thr1383Ala)

Gene: PCLO (piccolo presynaptic cytomatrix protein; minus strand). Cytogenetic location: 7q21.11.
Variant type: single nucleotide variant.
Coding change: c.4147A>G on transcript NM_033026.6 (MANE Select); coding-DNA position 4147, A replaced by G.
Protein change: p.Thr1383Ala; replaces threonine 1383 with alanine.
Molecular consequence: missense variant.
Genome position (GRCh38, 1-based): chr7:82,956,806, T>C on the plus strand (A>G on the coding strand, the complement: PCLO is on the minus strand). VCF-style: chr7-82956806-T-C. GRCh37 (hg19) VCF-style: chr7-82586122-T-C.
Other names: c.4147A>G, p.Thr1383Ala (NM_014510.3); short protein forms T1383A.
Identifiers: ClinVar variation 2128930 (VCV002128930.3), dbSNP rs2535713460, ClinGen allele CA367928565.